The following is an entry in ClinVar:

NM_033026.6(PCLO):c.12154A>G (p.Ile4052Val)

Gene: PCLO (piccolo presynaptic cytomatrix protein; minus strand). Cytogenetic location: 7q21.11.
Variant type: single nucleotide variant.
Coding change: c.12154A>G on transcript NM_033026.6 (MANE Select); coding-DNA position 12154, A replaced by G.
Protein change: p.Ile4052Val; replaces isoleucine 4052 with valine.
Molecular consequence: missense variant.
Genome position (GRCh38, 1-based): chr7:82,915,832, T>C on the plus strand (A>G on the coding strand, the complement: PCLO is on the minus strand). VCF-style: chr7-82915832-T-C. GRCh37 (hg19) VCF-style: chr7-82545148-T-C.
Other names: c.12154A>G, p.Ile4052Val (NM_014510.3); c.12154A>G (NM_033026.5); short protein forms I4052V.
Identifiers: ClinVar variation 1351208 (VCV001351208.4), dbSNP rs200544810, ClinGen allele CA4319429.

ClinVar aggregate classification (germline): Uncertain significance. Review status: criteria provided, multiple submitters, no conflicts (2 of 4 stars). 2 submissions from 2 submitters: Uncertain significance (2). Last evaluated 2023-11-14.

Conditions:
Inborn genetic diseases. Identifiers: MedGen C0950123, MeSH D030342.

Allele frequency attached by ClinVar (database versions not stated): gnomAD exomes 0.00003 and 0.00006; ExAC 0.00005; gnomAD 0.00019; TOPMed 0.00024; 1000 Genomes Project 0.00040; 1000 Genomes Project 30x 0.00047.
gnomAD v4.1: 69 of 1,613,488 alleles (0.0043%); highest among the groups gnomAD compares: African/African-American, 0.083%; no homozygotes.

Submissions (2):

Ambry Genetics
Classification: Uncertain significance for Inborn genetic diseases. Last evaluated: 2023-11-14. Review status: criteria provided, single submitter. Criteria: Ambry Variant Classification Scheme 2023. Collection method: clinical testing. Allele origin: germline.

Labcorp Genetics (formerly Invitae), Labcorp
Classification: Uncertain significance. Last evaluated: 2022-09-27. Review status: criteria provided, single submitter. Criteria: Invitae Variant Classification Sherloc (09022015). Collection method: clinical testing. Allele origin: germline.
Comment: This sequence change replaces isoleucine, which is neutral and non-polar, with valine, which is neutral and non-polar, at codon 4052 of the PCLO protein (p.Ile4052Val). This variant is present in population databases (rs200544810, gnomAD 0.07%). This variant has not been reported in the literature in individuals affected with PCLO-related conditions. ClinVar contains an entry for this variant (Variation ID: 1351208). Algorithms developed to predict the effect of missense changes on protein structure and function are either unavailable or do not agree on the potential impact of this missense change (SIFT: "Deleterious"; PolyPhen-2: "Not Available"; Align-GVGD: "Class C0"). In summary, the available evidence is currently insufficient to determine the role of this variant in disease. Therefore, it has been classified as a Variant of Uncertain Significance.